The following is an entry in ClinVar:

NM_020247.5(COQ8A):c.794G>A (p.Arg265His)

Gene: COQ8A (coenzyme Q8A; plus strand). Cytogenetic location: 1q42.13.
Variant type: single nucleotide variant.
Coding change: c.794G>A on transcript NM_020247.5 (MANE Select); coding-DNA position 794, G replaced by A.
Protein change: p.Arg265His; replaces arginine 265 with histidine.
Molecular consequence: missense variant.
Genome position (GRCh38, 1-based): chr1:226,982,090, G>A. VCF-style: chr1-226982090-G-A. GRCh37 (hg19) VCF-style: chr1-227169791-G-A.
Other names: p.Arg265His; short protein forms R265H.
Identifiers: ClinVar variation 804511 (VCV000804511.12), dbSNP rs199696414, ClinGen allele CA1425159.

ClinVar aggregate classification (germline): Conflicting classifications of pathogenicity. Review status: criteria provided, conflicting classifications (1 of 4 stars). 4 submissions from 4 submitters: Uncertain significance (3); Likely benign (1). Last evaluated 2025-10-26.

Conditions:
Inborn genetic diseases. Identifiers: MedGen C0950123, MeSH D030342.

Allele frequency attached by ClinVar (database versions not stated): gnomAD exomes 0.00006 and 0.00007; TOPMed 0.00006; gnomAD 0.00008; ExAC 0.00009.
gnomAD v4.1: 100 of 1,612,094 alleles (0.0062%); highest among the groups gnomAD compares: Non-Finnish European, 0.008%; 1 homozygote.

Submissions (4):

Labcorp Genetics (formerly Invitae), Labcorp
Classification: Likely benign. Last evaluated: 2025-10-26. Review status: criteria provided, single submitter. Criteria: Invitae Variant Classification Sherloc (09022015). Collection method: clinical testing. Allele origin: germline.

Athena Diagnostics
Classification: Uncertain significance. Last evaluated: 2024-05-03. Review status: criteria provided, single submitter. Criteria: Athena Diagnostics Criteria. Collection method: clinical testing. Allele origin: unknown.
Comment: Available data are insufficient to determine the clinical significance of the variant at this time. The frequency of this variant in the general population is uninformative in assessment of its pathogenicity. Polyphen and MutationTaster predict this amino acid change may be benign.

Mayo Clinic Laboratories, Mayo Clinic
Classification: Uncertain significance. Last evaluated: 2023-09-20. Review status: criteria provided, single submitter. Criteria: ACMG Guidelines, 2015. Collection method: clinical testing. Allele origin: germline. Observed: 1 variant allele.
Comment: PM2_moderate

Ambry Genetics
Classification: Uncertain significance for Inborn genetic diseases. Last evaluated: 2021-04-21. Review status: criteria provided, single submitter. Criteria: Ambry Variant Classification Scheme 2023. Collection method: clinical testing. Allele origin: germline.
Comment: The c.794G>A (p.R265H) alteration is located in exon 6 (coding exon 5) of the COQ8A gene. This alteration results from a G to A substitution at nucleotide position 794, causing the arginine (R) at amino acid position 265 to be replaced by a histidine (H). The p.R265H alteration is predicted to be tolerated by in silico analysis. Based on insufficient or conflicting evidence, the clinical significance of this alteration remains unclear.